The following is an entry in ClinVar:

ClinVar aggregate classification (germline): Conflicting classifications of pathogenicity. Review status: criteria provided, conflicting classifications (1 of 4 stars). 2 submissions from 2 submitters: Uncertain significance (1); Likely benign (1). Last evaluated 2026-01-18.

Conditions:
Thrombomodulin-related bleeding disorder (THPH12). Also called: Thrombophilia due to thrombomodulin defect. Identifiers: Orphanet 436169, MedGen C3280976, MONDO:0013775, OMIM 614486.

Allele frequency attached by ClinVar (database versions not stated): gnomAD exomes 0.00011; gnomAD 0.00023 and 0.00026; TOPMed 0.00026.
gnomAD v4.1: 69 of 1,537,740 alleles (0.0045%); highest among the groups gnomAD compares: African/African-American, 0.085%; no homozygotes.

Submissions (2):

Labcorp Genetics (formerly Invitae), Labcorp
Classification: Uncertain significance. Last evaluated: 2026-01-18. Review status: criteria provided, single submitter. Criteria: Invitae Variant Classification Sherloc (09022015). Collection method: clinical testing. Allele origin: germline.
Comment: This sequence change replaces alanine, which is neutral and non-polar, with glycine, which is neutral and non-polar, at codon 236 of the THBD protein (p.Ala236Gly). This variant is present in population databases (rs758686992, gnomAD 0.1%), and has an allele count higher than expected for a pathogenic variant. This missense change has been observed in individual(s) with hemolytic uremic syndrome (both atypical and secondary) (PMID: 20513133, 30982675). ClinVar contains an entry for this variant (Variation ID: 1369949). Invitae Evidence Modeling of protein sequence and biophysical properties (such as structural, functional, and spatial information, amino acid conservation, physicochemical variation, residue mobility, and thermodynamic stability) indicates that this missense variant is not expected to disrupt THBD protein function with a negative predictive value of 80%. In summary, the available evidence is currently insufficient to determine the role of this variant in disease. Therefore, it has been classified as a Variant of Uncertain Significance.

Genomenon, Inc
Classification: Likely benign for Thrombomodulin-related bleeding disorder. Last evaluated: 2025-09-22. Review status: criteria provided, single submitter. Criteria: Genomenon Sequence Variant Interpretation Standards - Updated. Collection method: curation. Allele origin: germline. Affected: no.
Comment: THBD p.Ala236Gly (c.707C>G) is a missense variant that changes the amino acid at residue 236 from Alanine to Glycine. This variant has been reported in the published literature (PMID:30982675;20513133;24799305). This variant’s allele frequency in gnomAD is greater than expected for this disorder. In conclusion, we classify THBD p.Ala236Gly (c.707C>G) as a likely benign variant.

Literature cited by the submitters: PubMed 20513133 (cited by Labcorp Genetics (formerly Invitae), Labcorp and Genomenon, Inc); PubMed 30982675 (cited by Labcorp Genetics (formerly Invitae), Labcorp and Genomenon, Inc); PubMed 24799305 (cited by Genomenon, Inc).

NM_000361.3(THBD):c.707C>G (p.Ala236Gly)

Gene: THBD (thrombomodulin; minus strand). Cytogenetic location: 20p11.21.
Variant type: single nucleotide variant.
Coding change: c.707C>G on transcript NM_000361.3 (MANE Select); coding-DNA position 707, C replaced by G.
Protein change: p.Ala236Gly; replaces alanine 236 with glycine.
Molecular consequence: missense variant.
Genome position (GRCh38, 1-based): chr20:23,048,798, G>C on the plus strand (C>G on the coding strand, the complement: THBD is on the minus strand). VCF-style: chr20-23048798-G-C. GRCh37 (hg19) VCF-style: chr20-23029435-G-C.
Other names: short protein forms A236G.
Identifiers: ClinVar variation 1369949 (VCV001369949.9), dbSNP rs758686992, ClinGen allele CA9787700.